The following is an entry in ClinVar:

ClinVar aggregate classification (germline): Uncertain significance (1 of 4 stars; one submission).

Conditions:
Neuroblastoma, susceptibility to, 3. Also called: ALK-Related Neuroblastic Tumor Susceptibility. Identifiers: Orphanet 635, MedGen C2751681, MONDO:0013083, OMIM 613014.

Submission:

Labcorp Genetics (formerly Invitae), Labcorp
Classification: Uncertain significance for Neuroblastoma, susceptibility to, 3. Last evaluated: 2024-07-15. Review status: criteria provided, single submitter. Criteria: Invitae Variant Classification Sherloc (09022015). Collection method: clinical testing. Allele origin: germline.
Comment: This sequence change replaces serine, which is neutral and polar, with isoleucine, which is neutral and non-polar, at codon 591 of the ALK protein (p.Ser591Ile). This variant is not present in population databases (gnomAD no frequency). This variant has not been reported in the literature in individuals affected with ALK-related conditions. An algorithm developed to predict the effect of missense changes on protein structure and function (PolyPhen-2) suggests that this variant is likely to be disruptive. In summary, the available evidence is currently insufficient to determine the role of this variant in disease. Therefore, it has been classified as a Variant of Uncertain Significance.

NM_004304.5(ALK):c.1772G>T (p.Ser591Ile)

Gene: ALK (ALK receptor tyrosine kinase; minus strand). Cytogenetic location: 2p23.2.
Variant type: single nucleotide variant.
Coding change: c.1772G>T on transcript NM_004304.5 (MANE Select); coding-DNA position 1772, G replaced by T.
Protein change: p.Ser591Ile; replaces serine 591 with isoleucine.
Molecular consequence: missense variant.
Genome position (GRCh38, 1-based): chr2:29,296,933, C>A on the plus strand (G>T on the coding strand, the complement: ALK is on the minus strand). VCF-style: chr2-29296933-C-A. GRCh37 (hg19) VCF-style: chr2-29519799-C-A.
Other names: short protein forms S591I.
Identifiers: ClinVar variation 3659567 (VCV003659567.2).